The following is an entry in ClinVar:

ClinVar aggregate classification (germline): Uncertain significance (1 of 4 stars; one submission).

Conditions:
Glycogen storage disease IXb (GSD9B). Also called: PHOSPHORYLASE KINASE DEFICIENCY OF LIVER AND MUSCLE, AUTOSOMAL RECESSIVE; GLYCOGENOSIS OF LIVER AND MUSCLE, AUTOSOMAL RECESSIVE; GSD IXb. Identifiers: Orphanet 79240, MedGen C0543514, MONDO:0009868, OMIM 261750.

Allele frequency attached by ClinVar (database versions not stated): gnomAD 0.00001; TOPMed 0.00001.
gnomAD v4.1: 1 of 1,599,958 alleles (0.000063%); highest among the groups gnomAD compares: African/African-American, 0.0013%; no homozygotes.

Submission:

Labcorp Genetics (formerly Invitae), Labcorp
Classification: Uncertain significance for Glycogen storage disease IXb. Last evaluated: 2022-04-09. Review status: criteria provided, single submitter. Criteria: Invitae Variant Classification Sherloc (09022015). Collection method: clinical testing. Allele origin: germline.
Comment: Algorithms developed to predict the effect of missense changes on protein structure and function (SIFT, PolyPhen-2, Align-GVGD) all suggest that this variant is likely to be tolerated. This sequence change replaces isoleucine, which is neutral and non-polar, with valine, which is neutral and non-polar, at codon 626 of the PHKB protein (p.Ile626Val). This variant is not present in population databases (gnomAD no frequency). This variant has not been reported in the literature in individuals affected with PHKB-related conditions. In summary, the available evidence is currently insufficient to determine the role of this variant in disease. Therefore, it has been classified as a Variant of Uncertain Significance.

NM_000293.3(PHKB):c.1876A>G (p.Ile626Val)

Gene: PHKB (phosphorylase kinase regulatory subunit beta; plus strand). Cytogenetic location: 16q12.1.
Variant type: single nucleotide variant.
Coding change: c.1876A>G on transcript NM_000293.3 (MANE Select); coding-DNA position 1876, A replaced by G.
Protein change: p.Ile626Val; replaces isoleucine 626 with valine.
Molecular consequence: missense variant.
Genome position (GRCh38, 1-based): chr16:47,650,622, A>G. VCF-style: chr16-47650622-A-G. GRCh37 (hg19) VCF-style: chr16-47684533-A-G.
Other names: c.1855A>G, p.Ile619Val (NM_001031835.3); c.1876A>G, p.Ile626Val (NM_001363837.1); short protein forms I619V, I626V.
Identifiers: ClinVar variation 2141212 (VCV002141212.4), dbSNP rs1233602044, ClinGen allele CA395786782.